The following is an entry in ClinVar:

ClinVar aggregate classification (germline): Conflicting classifications of pathogenicity. Review status: criteria provided, conflicting classifications (1 of 4 stars). 13 submissions from 13 submitters: Uncertain significance (12); Likely benign (1). Last evaluated 2026-02-01.

Conditions:
Cardiovascular phenotype. Identifiers: MedGen CN230736.
Desmin-related myofibrillar myopathy (MFM1). Also called: Desminopathy; MYOFIBRILLAR MYOPATHY WITH ARRHYTHMOGENIC RIGHT VENTRICULAR CARDIOMYOPATHY; DESMIN-RELATED MYOPATHY WITH ARRHYTHMOGENIC RIGHT VENTRICULAR CARDIOMYOPATHY; Myofibrillar myopathy 1; Desmin related myopathy (former name); Desmin storage myopathy (former name). Identifiers: Orphanet 363543, Orphanet 98909, MedGen C1832370, MONDO:0011076, OMIM 601419.
Dilated cardiomyopathy 1I (CMD1I). Identifiers: Orphanet 154, MedGen C1858154, MONDO:0011482, OMIM 604765.
Neurogenic scapuloperoneal syndrome, Kaeser type (SCPNK). Also called: KAESER SYNDROME. Identifiers: Orphanet 85146, MedGen C1867005, MONDO:0008407, OMIM 181400.
Cardiomyopathy (CMYO). Also called: Cardiomyopathies. Identifiers: Orphanet 167848, MedGen C0878544, MONDO:0004994, HP:0001638. Inheritance: Various modes of inheritance.

Allele frequency attached by ClinVar (database versions not stated): gnomAD exomes 0.00007 and 0.00012; ESP Exome Variant Server 0.00008; gnomAD 0.00008 and 0.00010; TOPMed 0.00011; ExAC 0.00012.

Submissions (13):

Labcorp Genetics (formerly Invitae), Labcorp
Classification: Uncertain significance for Desmin-related myofibrillar myopathy. Last evaluated: 2026-02-01. Review status: criteria provided, single submitter. Criteria: Invitae Variant Classification Sherloc (09022015). Collection method: clinical testing. Allele origin: germline.
Comment: This sequence change replaces serine, which is neutral and polar, with arginine, which is basic and polar, at codon 72 of the DES protein (p.Ser72Arg). This variant is present in population databases (rs375719734, gnomAD 0.03%). This variant has not been reported in the literature in individuals affected with DES-related conditions. ClinVar contains an entry for this variant (Variation ID: 193219). Invitae Evidence Modeling of protein sequence and biophysical properties (such as structural, functional, and spatial information, amino acid conservation, physicochemical variation, residue mobility, and thermodynamic stability) indicates that this missense variant is not expected to disrupt DES protein function with a negative predictive value of 80%. In summary, the available evidence is currently insufficient to determine the role of this variant in disease. Therefore, it has been classified as a Variant of Uncertain Significance.

Ambry Genetics
Classification: Uncertain significance for Cardiovascular phenotype. Last evaluated: 2025-12-18. Review status: criteria provided, single submitter. Criteria: Ambry Variant Classification Scheme 2023. Collection method: clinical testing. Allele origin: germline.
Comment: The p.S72R variant (also known as c.216C>A), located in coding exon 1 of the DES gene, results from a C to A substitution at nucleotide position 216. The serine at codon 72 is replaced by arginine, an amino acid with dissimilar properties. This variant was detected in an individual with hypertrophic cardiomyopathy (HCM), who had additional cardiac variants detected; This variant was also detected in an individual with arrhythmogenic right ventricular cardiomyopathy (ARVC) from a cardiomyopathy genetic testing cohort; however, clinical details were limited, and additional cardiac variants were detected (van Lint FHM et al. Neth Heart J, 2019 Jun;27:304-309). This variant has also been detected in a consanguineous family with muscular dystrophy phenotype in whom additional variants were also detected (Dardas Z et al. Eur J Med Genet. 2020 Apr;63(4):103845). This amino acid position is not well conserved in available vertebrate species. In addition, the in silico prediction for this alteration is inconclusive. Based on the available evidence, the clinical significance of this variant remains unclear.

CeGaT Center for Human Genetics Tuebingen
Classification: Uncertain significance. Last evaluated: 2025-07-01. Review status: criteria provided, single submitter. Criteria: CeGaT Center For Human Genetics Tuebingen Variant Classification Criteria Version 2. Collection method: clinical testing. Allele origin: germline. Affected: yes. Observed: 1 variant allele.
Comment: DES: PM2

GeneDx
Classification: Uncertain significance. Last evaluated: 2024-12-18. Review status: criteria provided, single submitter. Criteria: GeneDx Variant Classification Process June 2021. Collection method: clinical testing. Allele origin: germline. Affected: yes.
Comment: In silico analysis indicates that this missense variant does not alter protein structure/function; This variant is associated with the following publications: (PMID: 30764827, 30564623, 31953240, 26807690, 30615648)

Blueprint Genetics
Classification: Uncertain significance. Last evaluated: 2024-11-25. Review status: criteria provided, single submitter. Criteria: ACMG Guidelines, 2015. Collection method: clinical testing. Allele origin: germline.

Women's Health and Genetics/Laboratory Corporation of America, LabCorp
Classification: Likely benign. Last evaluated: 2022-09-26. Review status: criteria provided, single submitter. Criteria: LabCorp Variant Classification Summary - May 2015. Collection method: clinical testing. Allele origin: germline.
Comment: Variant summary: DES c.216C>A (p.Ser72Arg) results in a non-conservative amino acid change located in the Intermediate filament head, DNA-binding domain (IPR006821) of the encoded protein sequence. Three of five in-silico tools predict a benign effect of the variant on protein function. The variant allele was found at a frequency of 0.00012 in 183438 control chromosomes. The observed variant frequency is approximately 3.84 fold of the estimated maximal expected allele frequency for a pathogenic variant in DES causing Dilated Cardiomyopathy phenotype (3.1e-05), strongly suggesting that the variant is benign. c.216C>A has been reported in the literature in a stillbirth case (Sahlin_2019) and in a family affected with muscular dystrophy, following whole exome sequencing (Dardas_2020). These reports do not provide unequivocal conclusions about association of the variant with Dilated Cardiomyopathy. A co-occurrence with a pathogenic variant has been reported (MYBPC3 c.1504C>T, p.Arg502Trp; Internal testing), providing supporting evidence for a benign role. To our knowledge, no experimental evidence demonstrating an impact on protein function has been reported. Eight clinical diagnostic laboratories have submitted clinical-significance assessments for this variant to ClinVar after 2014 without evidence for independent evaluation. All laboratories classified the variant as uncertain significance. Based on the evidence outlined above, the variant was classified as likely benign.

Revvity Omics, Revvity
Classification: Uncertain significance. Last evaluated: 2022-02-14. Review status: criteria provided, single submitter. Criteria: ACMG Guidelines, 2015. Collection method: clinical testing. Allele origin: germline.

Baylor Genetics
Classification: Uncertain significance for Neurogenic scapuloperoneal syndrome, Kaeser type. Last evaluated: 2019-11-04. Review status: criteria provided, single submitter. Criteria: ACMG Guidelines, 2015. Collection method: clinical testing. Allele origin: unknown. Affected: yes.
Comment: This variant was determined to be of uncertain significance according to ACMG Guidelines, 2015 [PMID:25741868].

CHEO Genetics Diagnostic Laboratory, Children's Hospital of Eastern Ontario
Classification: Uncertain significance for Cardiomyopathy. Last evaluated: 2019-10-28. Review status: criteria provided, single submitter. Criteria: ACMG Guidelines, 2015. Collection method: clinical testing. Allele origin: germline.

Mayo Clinic Laboratories, Mayo Clinic
Classification: Uncertain significance. Last evaluated: 2019-04-29. Review status: criteria provided, single submitter. Criteria: ACMG Guidelines, 2015. Collection method: clinical testing. Allele origin: germline. Observed: 1 variant allele.

Fulgent Genetics
Classification: Uncertain significance for Neurogenic scapuloperoneal syndrome, Kaeser type; Desmin-related myofibrillar myopathy; Dilated cardiomyopathy 1I. Last evaluated: 2018-10-31. Review status: criteria provided, single submitter. Criteria: ACMG Guidelines, 2015. Collection method: clinical testing. Allele origin: unknown.

Athena Diagnostics
Classification: Uncertain significance. Last evaluated: 2018-02-09. Review status: criteria provided, single submitter. Criteria: Athena Diagnostics Criteria. Collection method: clinical testing. Allele origin: germline.

Eurofins Ntd Llc (ga)
Classification: Uncertain significance. Last evaluated: 2015-04-11. Review status: criteria provided, single submitter. Criteria: EGL Classification Definitions 2015. Collection method: clinical testing. Allele origin: germline. Observed: 2 variant alleles, 2 heterozygotes.

Literature cited by the submitters: PubMed 30764827 (cited by Ambry Genetics and Women's Health and Genetics/Laboratory Corporation of America, LabCorp); PubMed 30847666 (cited by Ambry Genetics); PubMed 31953240 (cited by Ambry Genetics and Women's Health and Genetics/Laboratory Corporation of America, LabCorp); PubMed 30615648 (cited by Women's Health and Genetics/Laboratory Corporation of America, LabCorp).

NM_001927.4(DES):c.216C>A (p.Ser72Arg)

Gene: DES (desmin; plus strand). Cytogenetic location: 2q35.
Variant type: single nucleotide variant.
Coding change: c.216C>A on transcript NM_001927.4 (MANE Select); coding-DNA position 216, C replaced by A.
Protein change: p.Ser72Arg; replaces serine 72 with arginine.
Molecular consequence: missense variant.
Genome position (GRCh38, 1-based): chr2:219,418,678, C>A. VCF-style: chr2-219418678-C-A. GRCh37 (hg19) VCF-style: chr2-220283400-C-A.
Other names: c.216C>A (LRG_380t1); short protein forms S72R.
Identifiers: ClinVar variation 193219 (VCV000193219.41), dbSNP rs375719734, ClinGen allele CA238726.